The following is an entry in ClinVar:

NM_001042492.3(NF1):c.852_853dup (p.Ser285fs)

Gene: NF1 (neurofibromin 1; plus strand). Cytogenetic location: 17q11.2.
Variant type: Microsatellite.
Coding change: c.852_853dup on transcript NM_001042492.3 (MANE Select); coding-DNA positions 852 to 853, 2 bases duplicated (AT; older notation c.852_853dupAT).
Protein change: p.Ser285fs; shifts the reading frame from serine 285.
Molecular consequence: frameshift variant.
Genome position (GRCh38, 1-based): chr17:31,182,629-31,182,630, AT duplicated; duplicating any 2 consecutive bases within chr17:31,182,625-31,182,630 gives the same sequence; the c. name uses the placement nearest the transcript's 3' end. VCF-style (leftmost placement, unchanged base first): chr17-31182624-G-GAT. GRCh37 (hg19) VCF-style: chr17-29509642-G-GAT.
Other names: c.852_853dup, p.Ser285fs (NM_001128147.3); c.848_849AT[4], p.Ser285Tyrfs (NM_000267.4); short protein forms S285fs.
Identifiers: ClinVar variation 2027007 (VCV002027007.5), dbSNP rs2544754097, ClinGen allele CA2580614057.

ClinVar aggregate classification (germline): Pathogenic. Review status: criteria provided, multiple submitters, no conflicts (2 of 4 stars). 2 submissions from 2 submitters: Pathogenic (2). Last evaluated 2023-11-27.

Conditions:
Neurofibromatosis, type 1 (NF1). Also called: NEUROFIBROMATOSIS, TYPE I, SOMATIC; Neurofibromatosis, type I; Peripheral type neurofibromatosis; VON RECKLINGHAUSEN DISEASE. Identifiers: Orphanet 636, MedGen C0027831, MONDO:0018975, OMIM 162200. Disease mechanism: loss of function.

Submissions (2):

GeneDx
Classification: Pathogenic. Last evaluated: 2023-11-27. Review status: criteria provided, single submitter. Criteria: GeneDx Variant Classification Process June 2021. Collection method: clinical testing. Allele origin: germline. Affected: yes.
Comment: Frameshift variant predicted to result in protein truncation or nonsense mediated decay in a gene for which loss-of-function is a known mechanism of disease; Not observed in large population cohorts (gnomAD)

Labcorp Genetics (formerly Invitae), Labcorp
Classification: Pathogenic for Neurofibromatosis, type 1. Last evaluated: 2022-08-25. Review status: criteria provided, single submitter. Criteria: Invitae Variant Classification Sherloc (09022015). Collection method: clinical testing. Allele origin: germline.
Comment: For these reasons, this variant has been classified as Pathogenic. This variant has not been reported in the literature in individuals affected with NF1-related conditions. This variant is not present in population databases (gnomAD no frequency). This sequence change creates a premature translational stop signal (p.Ser285Tyrfs*11) in the NF1 gene. It is expected to result in an absent or disrupted protein product. Loss-of-function variants in NF1 are known to be pathogenic (PMID: 10712197, 23913538).

Literature cited by the submitters: PubMed 10712197 (cited by Labcorp Genetics (formerly Invitae), Labcorp); PubMed 23913538 (cited by Labcorp Genetics (formerly Invitae), Labcorp).